The following is an entry in ClinVar:

ClinVar aggregate classification (germline): Uncertain significance (1 of 4 stars; one submission).

Submission:

Labcorp Genetics (formerly Invitae), Labcorp
Classification: Uncertain significance. Last evaluated: 2022-11-01. Review status: criteria provided, single submitter. Criteria: Invitae Variant Classification Sherloc (09022015). Collection method: clinical testing. Allele origin: germline.
Comment: This sequence change replaces arginine, which is basic and polar, with proline, which is neutral and non-polar, at codon 4 of the DGAT1 protein (p.Arg4Pro). In summary, the available evidence is currently insufficient to determine the role of this variant in disease. Therefore, it has been classified as a Variant of Uncertain Significance. Algorithms developed to predict the effect of missense changes on protein structure and function are either unavailable or do not agree on the potential impact of this missense change (SIFT: "Tolerated"; PolyPhen-2: "Not Available"; Align-GVGD: "Class C0"). This variant has not been reported in the literature in individuals affected with DGAT1-related conditions. This variant is not present in population databases (gnomAD no frequency).

NM_012079.6(DGAT1):c.11G>C (p.Arg4Pro)

Genes: DGAT1 (diacylglycerol O-acyltransferase 1; minus strand), LOC130001386 (ATAC-STARR-seq lymphoblastoid silent region 19673; plus strand). Cytogenetic location: 8q24.3.
Variant type: single nucleotide variant.
Coding change: c.11G>C on transcript NM_012079.6 (MANE Select); coding-DNA position 11, G replaced by C.
Protein change: p.Arg4Pro; replaces arginine 4 with proline.
Molecular consequence: missense variant.
Genome position (GRCh38, 1-based): chr8:144,326,626, C>G on the plus strand (G>C on the coding strand, the complement: DGAT1 is on the minus strand). VCF-style: chr8-144326626-C-G. GRCh37 (hg19) VCF-style: chr8-145550289-C-G.
Other names: short protein forms R4P.
Identifiers: ClinVar variation 2128588 (VCV002128588.4), dbSNP rs2488973184, ClinGen allele CA372613574.